The following is an entry in ClinVar:

ClinVar aggregate classification (germline): Pathogenic (1 of 4 stars; one submission).

Conditions:
Developmental and epileptic encephalopathy. Identifiers: MedGen C5779964, MONDO:0100620.

Submission:

Labcorp Genetics (formerly Invitae), Labcorp
Classification: Pathogenic for Early-infantile DEE. Last evaluated: 2023-10-17. Review status: criteria provided, single submitter. Criteria: Invitae Variant Classification Sherloc (09022015). Collection method: clinical testing. Allele origin: unknown.
Comment: This variant results in the deletion of exons 3-16 and part of exon 17 (c.388-416_2361del) of the KCNQ2 gene. While this variant is not anticipated to result in nonsense mediated decay, it likely alters RNA splicing and results in a disrupted protein product. This variant has not been reported in the literature in individuals affected with KCNQ2-related conditions. Variants that disrupt the consensus splice site are a relatively common cause of aberrant splicing (PMID: 17576681, 9536098). This variant disrupts a region of the KCNQ2 protein in which other variant(s) (Deletion (Exon 15)) have been determined to be pathogenic (Invitae). This suggests that this is a clinically significant region of the protein, and that variants that disrupt it are likely to be disease-causing. For these reasons, this variant has been classified as Pathogenic.

Literature cited by the submitters: PubMed 17576681; PubMed 9536098.

NC_000020.10:g.(?_62038255)_(62077133_?)del

Gene: KCNQ2 (potassium voltage-gated channel subfamily Q member 2; minus strand). Cytogenetic location: 20q13.33.
Variant type: Deletion.
Identifiers: ClinVar variation 3248258 (VCV003248258.1).